The following is an entry in ClinVar:

NM_001127898.4(CLCN5):c.416-6A>T

Gene: CLCN5 (Cl-/H+ antiporter 5; plus strand). Cytogenetic location: Xp11.23.
Variant type: single nucleotide variant.
Coding change: c.416-6A>T on transcript NM_001127898.4 (MANE Select); 6 bases into the intron before coding-DNA position 416, A replaced by T.
Molecular consequence: intron variant.
Genome position (GRCh38, 1-based): chrX:50,075,789, A>T. VCF-style: chrX-50075789-A-T. GRCh37 (hg19) VCF-style: chrX-49840444-A-T.
Other names: p.?; c.416-6A>T (NM_001127899.4); c.206-6A>T (NM_000084.5); c.266-6A>T (NM_001282163.2).
Identifiers: ClinVar variation 368473 (VCV000368473.20), dbSNP rs6651602, ClinGen allele CA10413732.

ClinVar aggregate classification (germline): Benign. Review status: criteria provided, multiple submitters, no conflicts (2 of 4 stars). 6 submissions from 6 submitters: Benign (6). Last evaluated 2026-02-02.

Conditions:
Dent disease type 1 (DENT1). Also called: NEPHROLITHIASIS 2; NEPHROLITHIASIS, HYPERCALCIURIC, X-LINKED. Identifiers: Orphanet 1652, Orphanet 93622, MedGen C1848336, MONDO:0010225, OMIM 300009.

Allele frequency attached by ClinVar (database versions not stated): gnomAD exomes 0.00166 and 0.00451; ExAC 0.00566; gnomAD 0.01601 and 0.01679; TOPMed 0.01902; ESP Exome Variant Server 0.01979; 1000 Genomes Project 0.02066; 1000 Genomes Project 30x 0.02227.
gnomAD v4.1: 3,707 of 1,208,309 alleles (0.31%); highest among the groups gnomAD compares: African/African-American, 5.6%; 60 homozygotes.

Submissions (10):

Labcorp Genetics (formerly Invitae), Labcorp
Classification: Benign. Last evaluated: 2026-02-02. Review status: criteria provided, single submitter. Criteria: Invitae Variant Classification Sherloc (09022015). Collection method: clinical testing. Allele origin: germline.

ARUP Laboratories, Molecular Genetics and Genomics, ARUP Laboratories
Classification: Benign. Last evaluated: 2025-02-04. Review status: criteria provided, single submitter. Criteria: ARUP Molecular Germline Variant Investigation Process 2024. Collection method: clinical testing. Allele origin: germline.

Blueprint Genetics
Classification: Benign. Last evaluated: 2024-11-27. Review status: criteria provided, single submitter. Criteria: ACMG Guidelines, 2015. Collection method: clinical testing. Allele origin: germline.

Mayo Clinic Laboratories, Mayo Clinic
Classification: Benign. Last evaluated: 2023-04-10. Review status: criteria provided, single submitter. Criteria: ACMG Guidelines, 2015. Collection method: clinical testing. Allele origin: germline. Observed: 3 variant alleles.

GeneDx
Classification: Benign. Last evaluated: 2019-04-25. Review status: criteria provided, single submitter. Criteria: GeneDx Variant Classification Process June 2021. Collection method: clinical testing. Allele origin: germline. Affected: yes.

Illumina Laboratory Services, Illumina
Classification: Benign for Dent disease type 1. Last evaluated: 2018-01-13. Review status: criteria provided, single submitter. Criteria: ICSL Variant Classification Criteria 13 December 2019. Collection method: clinical testing. Allele origin: germline.
Comment: This variant was observed in the ICSL laboratory as part of a predisposition screen in an ostensibly healthy population. It had not been previously curated by ICSL or reported in the Human Gene Mutation Database (HGMD: prior to June 1st, 2018), and was therefore a candidate for classification through an automated scoring system. Utilizing variant allele frequency, disease prevalence and penetrance estimates, and inheritance mode, an automated score was calculated to assess if this variant is too frequent to cause the disease. Based on the score and internal cut-off values, a variant classified as benign is not then subjected to further curation. The score for this variant resulted in a classification of benign for this disease.

Dr. Peter K. Rogan Lab, Western University
No classification provided (evidence only). Condition: Lung cancer. Review status: no classification provided. Collection method: in vitro. Allele origin: not applicable. Functional consequence: retained intron. Not counted in ClinVar's aggregate classification.

Dr. Peter K. Rogan Lab, Western University
No classification provided (evidence only). Condition: Acute myeloid leukemia. Review status: no classification provided. Collection method: in vitro. Allele origin: not applicable. Functional consequence: retained intron. Not counted in ClinVar's aggregate classification.

Dr. Peter K. Rogan Lab, Western University
No classification provided (evidence only). Condition: Malignant tumor of esophagus. Review status: no classification provided. Collection method: in vitro. Allele origin: not applicable. Functional consequence: retained intron. Not counted in ClinVar's aggregate classification.

Dr. Peter K. Rogan Lab, Western University
No classification provided (evidence only). Condition: Malignant tumor of esophagus. Review status: no classification provided. Collection method: in vitro. Allele origin: not applicable. Functional consequence: retained intron. Not counted in ClinVar's aggregate classification.